The following is an entry in ClinVar:

NM_198525.3(KIF7):c.2833AAG[1] (p.Lys946del)

Gene: KIF7 (kinesin family member 7; minus strand). Cytogenetic location: 15q26.1.
Variant type: Microsatellite.
Coding change: c.2833AAG[1] on transcript NM_198525.3 (MANE Select); one copy of the 3-base unit AAG starting at c.2833; the reference has two copies in a row; one copy, 3 bases deleted.
Protein change: p.Lys946del; deletes lysine 946.
Molecular consequence: inframe deletion.
Genome position (GRCh38, 1-based): chr15:89,632,877-89,632,879, CTT deleted on the plus strand (AAG on the coding strand, the reverse complement: KIF7 is on the minus strand); deleting any 3 consecutive bases within chr15:89,632,877-89,632,882 gives the same sequence; the position shown is the placement nearest the transcript's 3' end. VCF-style (leftmost placement, unchanged base first): chr15-89632876-CCTT-C. GRCh37 (hg19) VCF-style: chr15-90176107-CCTT-C.
Other names: short protein forms K946del.
Identifiers: ClinVar variation 2171082 (VCV002171082.4), dbSNP rs748140280, ClinGen allele CA7727936.

ClinVar aggregate classification (germline): Uncertain significance (1 of 4 stars; one submission).

Conditions:
Acrocallosal syndrome (ACLS). Also called: Schinzel syndrome 1; Absence of corpus callosum with unusual facial appearance, mental deficiency, duplication of the halluces and polydactyly; HALLUX DUPLICATION, POSTAXIAL POLYDACTYLY, AND ABSENCE OF CORPUS CALLOSUM. Identifiers: Orphanet 36, MedGen C0796147, MONDO:0008708, OMIM 200990.

Submission:

Labcorp Genetics (formerly Invitae), Labcorp
Classification: Uncertain significance for Acrocallosal syndrome. Last evaluated: 2022-04-28. Review status: criteria provided, single submitter. Criteria: Invitae Variant Classification Sherloc (09022015). Collection method: clinical testing. Allele origin: germline.
Comment: This variant is present in population databases (rs748140280, gnomAD 0.02%). This variant has not been reported in the literature in individuals affected with KIF7-related conditions. Experimental studies and prediction algorithms are not available or were not evaluated, and the functional significance of this variant is currently unknown. In summary, the available evidence is currently insufficient to determine the role of this variant in disease. Therefore, it has been classified as a Variant of Uncertain Significance. This variant, c.2836_2838del, results in the deletion of 1 amino acid(s) of the KIF7 protein (p.Lys946del), but otherwise preserves the integrity of the reading frame.